The following is an entry in ClinVar:

NM_006267.5(RANBP2):c.2995A>G (p.Ile999Val)

Gene: RANBP2 (RAN binding protein 2; plus strand). Cytogenetic location: 2q13.
Variant type: single nucleotide variant.
Coding change: c.2995A>G on transcript NM_006267.5 (MANE Select); coding-DNA position 2995, A replaced by G.
Protein change: p.Ile999Val; replaces isoleucine 999 with valine.
Molecular consequence: missense variant.
Genome position (GRCh38, 1-based): chr2:108,763,534, A>G. VCF-style: chr2-108763534-A-G. GRCh37 (hg19) VCF-style: chr2-109379990-A-G.
Other names: short protein forms I999V.
Identifiers: ClinVar variation 639153 (VCV000639153.8), dbSNP rs776885563, ClinGen allele CA1822852.

ClinVar aggregate classification (germline): Uncertain significance. Review status: criteria provided, multiple submitters, no conflicts (2 of 4 stars). 2 submissions from 2 submitters: Uncertain significance (2). Last evaluated 2025-12-16.

Conditions:
Familial acute necrotizing encephalopathy (IIAE3). Also called: Susceptibility to Acute Necrotizing Encephalopathy 1; ENCEPHALOPATHY, ACUTE, INFECTION-INDUCED, SUSCEPTIBILITY TO, 3. Identifiers: Orphanet 88619, MedGen C2675556, MONDO:0011953, OMIM 608033.

Allele frequency attached by ClinVar (database versions not stated): gnomAD 0.00001; gnomAD exomes 0.00001; TOPMed 0.00001; ExAC 0.00002.
gnomAD v4.1: 19 of 1,614,010 alleles (0.0012%); highest among the groups gnomAD compares: Middle Eastern, 0.016%; no homozygotes.

Submissions (2):

Ambry Genetics
Classification: Uncertain significance. Last evaluated: 2025-12-16. Review status: criteria provided, single submitter. Criteria: Ambry Variant Classification Scheme 2023. Collection method: clinical testing. Allele origin: germline.

Labcorp Genetics (formerly Invitae), Labcorp
Classification: Uncertain significance for Familial acute necrotizing encephalopathy. Last evaluated: 2021-08-28. Review status: criteria provided, single submitter. Criteria: Invitae Variant Classification Sherloc (09022015). Collection method: clinical testing. Allele origin: germline.
Comment: This sequence change replaces isoleucine with valine at codon 999 of the RANBP2 protein (p.Ile999Val). The isoleucine residue is highly conserved and there is a small physicochemical difference between isoleucine and valine. This variant is present in population databases (rs776885563, ExAC 0.003%). This variant has not been reported in the literature in individuals affected with RANBP2-related conditions. Algorithms developed to predict the effect of missense changes on protein structure and function are either unavailable or do not agree on the potential impact of this missense change (SIFT: "Deleterious"; PolyPhen-2: "Benign"; Align-GVGD: "Class C25"). In summary, the available evidence is currently insufficient to determine the role of this variant in disease. Therefore, it has been classified as a Variant of Uncertain Significance.